The following is an entry in ClinVar:

ClinVar aggregate classification (germline): Uncertain significance (1 of 4 stars; one submission).

Conditions:
RYR1-related disorder. Also called: RYR1-related condition; RYR1-related disorders. Identifiers: MedGen CN239331.

Submission:

Labcorp Genetics (formerly Invitae), Labcorp
Classification: Uncertain significance for RYR1-related disorder. Last evaluated: 2020-04-06. Review status: criteria provided, single submitter. Criteria: Invitae Variant Classification Sherloc (09022015). Collection method: clinical testing. Allele origin: germline.
Comment: In summary, the available evidence is currently insufficient to determine the role of this variant in disease. Therefore, it has been classified as a Variant of Uncertain Significance. This sequence change is located in a region of the RYR1 protein where a significant number of previously reported RYR1 missense mutations are found (PMID: 16084090). These observations suggest that this may be a clinically significant region of the protein. Experimental studies and prediction algorithms are not available or were not evaluated, and the functional significance of this variant is currently unknown. This variant has not been reported in the literature in individuals with RYR1-related conditions. The frequency data for this variant in the population databases is considered unreliable, as metrics indicate insufficient coverage at this position in the ExAC database. This sequence change replaces lysine with asparagine at codon 4477 of the RYR1 protein (p.Lys4477Asn). The lysine residue is moderately conserved and there is a moderate physicochemical difference between lysine and asparagine.

Literature cited by the submitters: PubMed 16084090.

NM_000540.3(RYR1):c.13431A>T (p.Lys4477Asn)

Gene: RYR1 (ryanodine receptor 1; plus strand). Cytogenetic location: 19q13.2.
Variant type: single nucleotide variant.
Coding change: c.13431A>T on transcript NM_000540.3 (MANE Select); coding-DNA position 13431, A replaced by T.
Protein change: p.Lys4477Asn; replaces lysine 4477 with asparagine.
Molecular consequence: missense variant.
Genome position (GRCh38, 1-based): chr19:38,565,765, A>T. VCF-style: chr19-38565765-A-T. GRCh37 (hg19) VCF-style: chr19-39056405-A-T.
Other names: c.13416A>T, p.Lys4472Asn (NM_001042723.2); short protein forms K4472N, K4477N.
Identifiers: ClinVar variation 1020444 (VCV001020444.8), dbSNP rs1973390396, ClinGen allele CA405675876.